The following is an entry in ClinVar:

NM_019844.4(SLCO1B3):c.1762C>G (p.Pro588Ala)

Genes: SLCO1B3 (solute carrier organic anion transporter family member 1B3; plus strand), SLCO1B3-SLCO1B7 (SLCO1B3-SLCO1B7 readthrough; plus strand). Cytogenetic location: 12p12.2.
Variant type: single nucleotide variant.
Coding change: c.1762C>G on transcript NM_019844.4 (MANE Select); coding-DNA position 1762, C replaced by G.
Protein change: p.Pro588Ala; replaces proline 588 with alanine.
Molecular consequence: missense variant.
Genome position (GRCh38, 1-based): chr12:20,901,364, C>G. VCF-style: chr12-20901364-C-G. GRCh37 (hg19) VCF-style: chr12-21054298-C-G.
Other names: c.1762C>G, p.Pro588Ala (NM_001371097.1); c.1678C>G, p.Pro560Ala (NM_001349920.2); short protein forms P588A, P560A.
Identifiers: ClinVar variation 4996763 (VCV004996763.1).

ClinVar aggregate classification (germline): Uncertain significance (1 of 4 stars; one submission).

Conditions:
SLCO1B3-related disorder. Also called: SLCO1B3-related condition.

gnomAD v4.1: 3 of 1,577,146 alleles (0.00019%); highest among the groups gnomAD compares: Non-Finnish European, 0.00026%; no homozygotes.

Submission:

PreventionGenetics, part of Exact Sciences
Classification: Uncertain significance for SLCO1B3-related condition. Last evaluated: 2024-12-30. Review status: criteria provided, single submitter. Criteria: ACMG Guidelines, 2015. Collection method: clinical testing. Allele origin: germline.
Comment: The SLCO1B3 c.1762C>G variant is predicted to result in the amino acid substitution p.Pro588Ala. To our knowledge, this variant has not been reported in the literature. This variant is reported in 0.00095% of alleles in individuals of European (Non-Finnish) descent in gnomAD. At this time, the clinical significance of this variant is uncertain due to the absence of conclusive functional and genetic evidence.